The following is an entry in ClinVar:

ClinVar aggregate classification (germline): Uncertain significance (1 of 4 stars; one submission).

Conditions:
Short-rib thoracic dysplasia 8 with or without polydactyly (SRTD8). Also called: SHORT-RIB THORACIC DYSPLASIA 8 WITH POLYDACTYLY. Identifiers: Orphanet 93271, MedGen C3809691, MONDO:0014214, OMIM 615503.

Allele frequency attached by ClinVar (database versions not stated): TOPMed 0.00002; gnomAD 0.00003.

Submission:

Labcorp Genetics (formerly Invitae), Labcorp
Classification: Uncertain significance for Short-rib thoracic dysplasia 8 with or without polydactyly. Last evaluated: 2022-09-07. Review status: criteria provided, single submitter. Criteria: Invitae Variant Classification Sherloc (09022015). Collection method: clinical testing. Allele origin: germline.
Comment: In summary, the available evidence is currently insufficient to determine the role of this variant in disease. Therefore, it has been classified as a Variant of Uncertain Significance. Algorithms developed to predict the effect of missense changes on protein structure and function are either unavailable or do not agree on the potential impact of this missense change (SIFT: "Tolerated"; PolyPhen-2: "Possibly Damaging"; Align-GVGD: "Class C0"). ClinVar contains an entry for this variant (Variation ID: 1680679). This variant has not been reported in the literature in individuals affected with WDR60-related conditions. This variant is present in population databases (rs772956452, gnomAD 0.004%). This sequence change replaces arginine, which is basic and polar, with glutamine, which is neutral and polar, at codon 495 of the WDR60 protein (p.Arg495Gln).

NM_018051.5(DYNC2I1):c.1484G>A (p.Arg495Gln)

Gene: DYNC2I1 (dynein 2 intermediate chain 1; plus strand). Cytogenetic location: 7q36.3.
Variant type: single nucleotide variant.
Coding change: c.1484G>A on transcript NM_018051.5 (MANE Select); coding-DNA position 1484, G replaced by A.
Protein change: p.Arg495Gln; replaces arginine 495 with glutamine.
Molecular consequence: missense variant.
Genome position (GRCh38, 1-based): chr7:158,911,573, G>A. VCF-style: chr7-158911573-G-A. GRCh37 (hg19) VCF-style: chr7-158704264-G-A.
Other names: c.1346G>A, p.Arg449Gln (NM_001350914.2); c.911G>A, p.Arg304Gln (NM_001350915.2); c.23G>A, p.Arg8Gln (NM_001350916.2); c.236G>A, p.Arg79Gln (NM_001350917.2, NM_001350918.2); short protein forms R304Q, R449Q, R495Q, R79Q, R8Q.
Identifiers: ClinVar variation 1680679 (VCV001680679.6), dbSNP rs772956452, ClinGen allele CA4594658.